The following is an entry in ClinVar:

ClinVar aggregate classification (germline): Uncertain significance (1 of 4 stars; one submission).

Conditions:
Progressive sclerosing poliodystrophy (MTDPS4A). Also called: ALPERS PROGRESSIVE INFANTILE POLIODYSTROPHY; NEURONAL DEGENERATION OF CHILDHOOD WITH LIVER DISEASE, PROGRESSIVE; Mitochondrial DNA Depletion Syndrome 4A; Alpers Syndrome; ALPERS DIFFUSE DEGENERATION OF CEREBRAL GRAY MATTER WITH HEPATIC CIRRHOSIS; Alpers-Huttenlocher Syndrome. Identifiers: Orphanet 726, MedGen C0205710, MONDO:0008758, OMIM 203700.

gnomAD v4.1: 1 of 1,613,854 alleles (0.000062%); highest among the groups gnomAD compares: South Asian, 0.0011%; no homozygotes.

Submission:

Labcorp Genetics (formerly Invitae), Labcorp
Classification: Uncertain significance for Progressive sclerosing poliodystrophy. Last evaluated: 2025-09-12. Review status: criteria provided, single submitter. Criteria: Invitae Variant Classification Sherloc (09022015). Collection method: clinical testing. Allele origin: germline.
Comment: This sequence change replaces phenylalanine, which is neutral and non-polar, with leucine, which is neutral and non-polar, at codon 770 of the POLG protein (p.Phe770Leu). This variant is present in population databases (rs755315398, gnomAD 0.003%). This missense change has been observed in individual(s) with POLG-related conditions (PMID: 33486010). Invitae Evidence Modeling of protein sequence and biophysical properties (such as structural, functional, and spatial information, amino acid conservation, physicochemical variation, residue mobility, and thermodynamic stability) indicates that this missense variant is expected to disrupt POLG protein function with a positive predictive value of 95%. In summary, the available evidence is currently insufficient to determine the role of this variant in disease. Therefore, it has been classified as a Variant of Uncertain Significance.

Literature cited by the submitters: PubMed 33486010.

NM_002693.3(POLG):c.2310C>G (p.Phe770Leu)

Gene: POLG (DNA polymerase gamma, catalytic subunit; minus strand). Cytogenetic location: 15q26.1.
Variant type: single nucleotide variant.
Coding change: c.2310C>G on transcript NM_002693.3 (MANE Select); coding-DNA position 2310, C replaced by G.
Protein change: p.Phe770Leu; replaces phenylalanine 770 with leucine.
Molecular consequence: missense variant.
Genome position (GRCh38, 1-based): chr15:89,322,858, G>C on the plus strand (C>G on the coding strand, the complement: POLG is on the minus strand). VCF-style: chr15-89322858-G-C. GRCh37 (hg19) VCF-style: chr15-89866089-G-C.
Other names: c.2310C>G, p.Phe770Leu (NM_001126131.2); short protein forms F770L.
Identifiers: ClinVar variation 4805688 (VCV004805688.1).